The following is an entry in ClinVar:

ClinVar aggregate classification (germline): Pathogenic (1 of 4 stars; one submission).

Conditions:
Rubinstein-Taybi syndrome due to EP300 haploinsufficiency. Also called: RUBINSTEIN-TAYBI SYNDROME 2; EP300-Related Rubinstein-Taybi Syndrome. Identifiers: Orphanet 353284, Orphanet 783, MedGen C3150941, MONDO:0013364, OMIM 613684.

Submission:

Genetics Laboratory, UDIAT-Centre Diagnòstic, Hospital Universitari Parc Tauli
Classification: Pathogenic for Rubinstein-Taybi syndrome due to EP300 haploinsufficiency. Last evaluated: 2022-10-04. Review status: criteria provided, single submitter. Criteria: Parc Tauli Hospital Assertion Criteria 2021. Collection method: clinical testing. Allele origin: de novo. Inheritance: Autosomal dominant inheritance. Affected: yes.
Comment: PVS1;PM2_supporting;PM6

NM_001429.4(EP300):c.6323del (p.Gln2108fs)

Gene: EP300 (EP300 lysine acetyltransferase; plus strand). Cytogenetic location: 22q13.2.
Variant type: Deletion.
Coding change: c.6323del on transcript NM_001429.4 (MANE Select); coding-DNA position 6323, one base deleted (A; older notation c.6323delA).
Protein change: p.Gln2108fs; shifts the reading frame from glutamine 2108.
Molecular consequence: frameshift variant.
Genome position (GRCh38, 1-based): chr22:41,178,034, A deleted. VCF-style (leftmost placement, unchanged base first): chr22-41178033-CA-C. GRCh37 (hg19) VCF-style: chr22-41574037-CA-C.
Other names: c.6245del, p.Gln2082fs (NM_001362843.2); short protein forms Q2082fs, Q2108fs.
Identifiers: ClinVar variation 1708228 (VCV001708228.2), dbSNP rs2517834553, ClinGen allele CA2580099822.